The following is an entry in ClinVar:

NM_000070.2(CAPN3):c.-614C>T

Gene: CAPN3 (calpain 3; plus strand). Cytogenetic location: 15q15.1.
Variant type: single nucleotide variant.
Coding change: c.-614C>T on transcript NM_000070.2; 614 bases upstream of the start codon, C replaced by T.
Genome position (GRCh38, 1-based): chr15:42,359,192, C>T. VCF-style: chr15-42359192-C-T. GRCh37 (hg19) VCF-style: chr15-42651390-C-T.
Identifiers: ClinVar variation 674256 (VCV000674256.3), dbSNP rs28364362, ClinGen allele CA269853295.

ClinVar aggregate classification (germline): Likely benign (1 of 4 stars; one submission).

Allele frequency attached by ClinVar (database versions not stated): TOPMed 0.01319; 1000 Genomes Project 30x 0.01390; 1000 Genomes Project 0.01278; gnomAD 0.01106 and 0.01193.

Submission:

GeneDx
Classification: Likely benign. Last evaluated: 2018-06-19. Review status: criteria provided, single submitter. Criteria: GeneDx Variant Classification (06012015). Collection method: clinical testing. Allele origin: germline. Affected: yes.
Comment: This variant is considered likely benign or benign based on one or more of the following criteria: it is a conservative change, it occurs at a poorly conserved position in the protein, it is predicted to be benign by multiple in silico algorithms, and/or has population frequency not consistent with disease.